The following is an entry in ClinVar:

ClinVar aggregate classification (germline): Pathogenic. Review status: reviewed by expert panel (3 of 4 stars). 13 submissions from 13 submitters: Pathogenic (1). 12 of the submissions do not count toward it. Last evaluated 2016-04-22.

Conditions:
BRCA2-related disorder. Also called: BRCA2-related condition; BRCA2-related disorders. Identifiers: MedGen CN239275.
Hereditary cancer-predisposing syndrome. Also called: Tumor predisposition; Neoplastic Syndromes, Hereditary; Hereditary neoplastic syndrome; Hereditary Cancer Syndrome. Identifiers: Orphanet 140162, MedGen C0027672, MeSH D009386, MONDO:0015356.
Hereditary breast ovarian cancer syndrome. Also called: Hereditary breast and ovarian cancer; Hereditary breast and ovarian cancer syndrome (HBOC); Hereditary breast and/or ovarian cancer syndrome; Breast and ovarian cancer; Hereditary breast and ovarian cancer syndrome; BRCA1- and BRCA2-Associated Hereditary Breast and Ovarian Cancer. Identifiers: Orphanet 145, MedGen C0677776, MeSH D061325, MONDO:0003582. Disease mechanism: loss of function.
Breast-ovarian cancer, familial, susceptibility to, 2 (BROVCA2). Also called: BRCA2 Hereditary Breast and Ovarian Cancer. Identifiers: Orphanet 145, MedGen C2675520, MONDO:0012933, OMIM 612555. Disease mechanism: loss of function.
Familial cancer of breast. Also called: Hereditary breast cancer; BREAST CANCER, FAMILIAL; hereditary breast carcinoma. Identifiers: Orphanet 227535, MedGen C0346153, MONDO:0016419, OMIM 114480. Disease mechanism: loss of function.

Submissions (13):

Evidence-based Network for the Interpretation of Germline Mutant Alleles (ENIGMA)
Classification: Pathogenic for Breast-ovarian cancer, familial, susceptibility to, 2. Last evaluated: 2016-04-22. Review status: reviewed by expert panel. Criteria: ENIGMA BRCA1/2 Classification Criteria (2015). Collection method: curation. Allele origin: germline.
Comment: Variant allele predicted to encode a truncated non-functional protein.

Labcorp Genetics (formerly Invitae), Labcorp
Classification: Pathogenic for Hereditary breast ovarian cancer syndrome. Last evaluated: 2025-10-13. Review status: criteria provided, single submitter. Criteria: Invitae Variant Classification Sherloc (09022015). Collection method: clinical testing. Allele origin: germline. Not counted in ClinVar's aggregate classification.
Comment: This sequence change creates a premature translational stop signal (p.Thr1388Asnfs*22) in the BRCA2 gene. It is expected to result in an absent or disrupted protein product. Loss-of-function variants in BRCA2 are known to be pathogenic (PMID: 20104584). Information on the frequency of this variant in the gnomAD database is not available, as this variant may be reported differently in the database. This premature translational stop signal has been observed in individual(s) with breast and/or ovarian cancer, prostrate cancer, or breast hamartoma and lipoma (PMID: 10923033, 12698193, 23633455, 26681312, 29368341, 32853339). This variant is also known as c.4163_4164delCTinsA, c.4163delCTinsA, and 4391delCTinsA. For these reasons, this variant has been classified as Pathogenic.

Ambry Genetics
Classification: Pathogenic for Hereditary cancer-predisposing syndrome. Last evaluated: 2025-04-30. Review status: criteria provided, single submitter. Criteria: Ambry Variant Classification Scheme 2023. Collection method: clinical testing. Allele origin: germline. Not counted in ClinVar's aggregate classification.
Comment: The c.4163_4164delCTinsA pathogenic mutation, located in coding exon 10 of the BRCA2 gene, results from the deletion of two nucleotides and insertion of one nucleotide causing a translational frameshift with a predicted alternate stop codon (p.T1388Nfs*22). This mutation has been reported in multiple individuals diagnosed with breast, ovarian cancer, and/or prostate cancer (Scottish/Northern Irish BRCA1/BRCA2 Consortium. Br. J. Cancer 2003 Apr; 88(8):1256-62; Alsop K et al. J. Clin. Oncol. 2012 Jul; 30(21):2654-63; George J et al. Clin. Cancer Res. 2013 Jul; 19(13):3474-84; Isaacsson Velho P et al. Prostate 2018 Apr;78:401-407). Of note, this alteration is also designated as 4391delCTinsA in published literature. This variant is considered to be rare based on population cohorts in the Genome Aggregation Database (gnomAD). In addition to the clinical data presented in the literature, this alteration is expected to result in loss of function by premature protein truncation or nonsense-mediated mRNA decay. As such, this alteration is interpreted as a disease-causing mutation.

Color Diagnostics, LLC DBA Color Health
Classification: Pathogenic for Hereditary cancer-predisposing syndrome. Last evaluated: 2024-04-29. Review status: criteria provided, single submitter. Criteria: ACMG Guidelines, 2015. Collection method: clinical testing. Allele origin: germline. Not counted in ClinVar's aggregate classification.
Comment: This variant deletes 2 nucleotides and insert one new nucleotide in exon 11 of the BRCA2 gene, creating a frameshift and premature translation stop signal. This variant is expected to result in an absent or non-functional protein product. This variant has been reported in families and individuals affected with prostate cancer, breast cancer, and/or ovarian cancer (PMID: 12698193, 23633455, 29368341). This variant has not been identified in the general population by the Genome Aggregation Database (gnomAD). Loss of BRCA2 function is a known mechanism of disease. Based on the available evidence, this variant is classified as Pathogenic.

Quest Diagnostics Nichols Institute San Juan Capistrano
Classification: Pathogenic. Last evaluated: 2023-12-14. Review status: criteria provided, single submitter. Criteria: Quest Diagnostics criteria. Collection method: clinical testing. Allele origin: unknown. Not counted in ClinVar's aggregate classification.
Comment: The BRCA2 c.4163_4164delinsA (p.Thr1388Asnfs*22) variant alters the translational reading frame of the BRCA2 mRNA and causes the premature termination of BRCA2 protein synthesis. This variant has been reported in the published literature in individuals with breast and/or ovarian cancer (PMIDs: 26681312 (2015), 23633455 (2013), 12698193 (2003)), and prostate cancer (PMID: 29368341 (2018)). This variant has not been reported in large, multi-ethnic general populations (Genome Aggregation Database). Based on the available information, this variant is classified as pathogenic.

GeneDx
Classification: Pathogenic. Last evaluated: 2023-06-13. Review status: criteria provided, single submitter. Criteria: GeneDx Variant Classification Process June 2021. Collection method: clinical testing. Allele origin: germline. Affected: yes. Not counted in ClinVar's aggregate classification.
Comment: Truncating variants in this gene are considered pathogenic by a well-established clinical consortium and/or database; Not observed in large population cohorts (gnomAD); Also known as 4391_4392delCTinsA; Frameshift variant predicted to result in protein truncation or nonsense mediated decay in a gene for which loss of function is a known mechanism of disease; Observed in individuals with a personal or family history consistent with pathogenic variants in this gene (Kauff et al., 2003; Alsop et al., 2012; George et al., 2013; Flaum et al., 2022); This variant is associated with the following publications: (PMID: 12698193, 21702907, 26586665, 23633455, 23242139, 12655515, 22711857, 26681312, 27376475, 29368341, 32918181, 34887416, 32853339, 36169650)

Women's Health and Genetics/Laboratory Corporation of America, LabCorp
Classification: Pathogenic for Hereditary breast ovarian cancer syndrome. Last evaluated: 2022-07-28. Review status: criteria provided, single submitter. Criteria: LabCorp Variant Classification Summary - May 2015. Collection method: clinical testing. Allele origin: germline. Not counted in ClinVar's aggregate classification.
Comment: Variant summary: BRCA2 c.4163_4164delinsA (p.Thr1388AsnfsX22) results in a premature termination codon, predicted to cause a truncation of the encoded protein or absence of the protein due to nonsense mediated decay, which are commonly known mechanisms for disease. Truncations downstream of this position have been classified as pathogenic by our laboratory. The variant was absent in 241566 control chromosomes. c.4163_4164delinsA has been reported in the literature in multiple individuals affected with Hereditary Breast And Ovarian Cancer Syndrome (eg. Kauff_2003, Ruark_2013, George_2013, Susswein_2015, Alsop_2012). These data indicate that the variant is very likely to be associated with disease. Seven clinical diagnostic laboratories have submitted clinical-significance assessments for this variant to ClinVar after 2014 without evidence for independent evaluation. All laboratories classified the variant as pathogenic. Based on the evidence outlined above, the variant was classified as pathogenic.

Baylor Genetics
Classification: Pathogenic for Familial cancer of breast. Last evaluated: 2022-03-18. Review status: criteria provided, single submitter. Criteria: ACMG Guidelines, 2015. Collection method: clinical testing. Allele origin: unknown. Not counted in ClinVar's aggregate classification.

Consortium of Investigators of Modifiers of BRCA1/2 (CIMBA), c/o University of Cambridge
Classification: Pathogenic for Breast-ovarian cancer, familial, susceptibility to, 2. Last evaluated: 2015-10-02. Review status: criteria provided, single submitter. Criteria: CIMBA Mutation Classification guidelines May 2016. Collection method: clinical testing. Allele origin: germline. Not counted in ClinVar's aggregate classification.

Research Molecular Genetics Laboratory, Women's College Hospital, University of Toronto
Classification: Pathogenic for Hereditary breast ovarian cancer syndrome. Last evaluated: 2014-01-31. Review status: no assertion criteria provided. Collection method: research. Allele origin: germline. Affected: yes. Study: The Canadian Open Genetics Repository (COGR). Not counted in ClinVar's aggregate classification.

Sharing Clinical Reports Project (SCRP)
Classification: Pathogenic for Breast-ovarian cancer, familial 2. Last evaluated: 2009-12-23. Review status: no assertion criteria provided. Collection method: clinical testing. Allele origin: germline. Not counted in ClinVar's aggregate classification.

Breast Cancer Information Core (BIC) (BRCA2)
Classification: Pathogenic for Breast-ovarian cancer, familial 2. Last evaluated: 2002-05-29. Review status: no assertion criteria provided. Collection method: clinical testing. Allele origin: germline. Affected: yes. Observed: 7 variant alleles. Not counted in ClinVar's aggregate classification.

Department of Pathology and Laboratory Medicine, Sinai Health System
Classification: Pathogenic for Breast-ovarian cancer, familial, susceptibility to, 2. Review status: no assertion criteria provided. Collection method: clinical testing. Allele origin: unknown. Affected: yes. Study: The Canadian Open Genetics Repository (COGR). Not counted in ClinVar's aggregate classification.
Comment: The BRCA2 p.Thr1388Asnfs*22 variant was identified in 22 of 59572 proband chromosomes (frequency: 0.0004) from individuals or families with HBOC (Rebbeck 2018). The variant was also identified in ClinVar (classified as pathogenic by ENIGMA expert panel, Invitae, GeneDX, Ambry Genetics, and seven other submitters) and LOVD 3.0 (7x). The variant was not identified in the following control databases: the Exome Aggregation Consortium (August 8th 2016) or the Genome Aggregation Database (Feb 27, 2017). The c.4163_4164delinsA variant is predicted to cause a frameshift, which alters the protein's amino acid sequence beginning at codon 1388 and leads to a premature stop codon at position 1409. This alteration is then predicted to result in a truncated or absent protein and loss of function. Loss of function variants of the BRCA2 gene are an established mechanism of disease in hereditary breast and ovarian cancer (HBOC) and is the type of variant expected to cause the disorder. In summary, based on the above information, this variant meets our laboratoryâ€šÃ„Ã´s criteria to be classified as pathogenic.

Literature cited by the submitters: PubMed 20104584 (cited by Labcorp Genetics (formerly Invitae), Labcorp); PubMed 10923033 (cited by Labcorp Genetics (formerly Invitae), Labcorp); PubMed 12698193 (cited by 5 submitters); PubMed 23633455 (cited by 5 submitters); PubMed 26681312 (cited by 4 submitters); PubMed 29368341 (cited by 4 submitters); PubMed 32853339 (cited by Labcorp Genetics (formerly Invitae), Labcorp); PubMed 22711857 (cited by Ambry Genetics and Women's Health and Genetics/Laboratory Corporation of America, LabCorp); PubMed 23242139 (cited by Women's Health and Genetics/Laboratory Corporation of America, LabCorp); PubMed 12655515 (cited by Women's Health and Genetics/Laboratory Corporation of America, LabCorp).

NM_000059.4(BRCA2):c.4163_4164delinsA (p.Thr1388fs)

Gene: BRCA2 (BRCA2 DNA repair associated; plus strand). Cytogenetic location: 13q13.1.
Variant type: Indel.
Coding change: c.4163_4164delinsA on transcript NM_000059.4 (MANE Select); coding-DNA positions 4163 to 4164, CT replaced by A.
Protein change: p.Thr1388fs; shifts the reading frame from threonine 1388.
Molecular consequence: frameshift variant.
Genome position (GRCh38, 1-based): chr13:32,338,518-32,338,519, CT replaced by A. VCF-style: chr13-32338518-CT-A. GRCh37 (hg19) VCF-style: chr13-32912655-CT-A.
Other names: 4391_4392delCTinsA; 4391delCTinsA; c.4163_4164delCTinsA (NM_000059.3); short protein forms T1388fs.
Identifiers: ClinVar variation 37885 (VCV000037885.32), dbSNP rs276174843, ClinGen allele CA019640.
Genomic context (GRCh38, chr13:32,338,518, plus strand): 5'-TATCTGGCCAGTTTATGAAGGAGGGAAACACTCAGATTAAAGAAGATTTGTCAGATTTAA[CT>A]TTTTTGGAAGTTGCGAAAGCTCAAGAAGCATGTCATGGTAATACTTCAAATAAAGAACAG-3'